The following is an entry in ClinVar:

NM_002180.3(IGHMBP2):c.2649T>G (p.Phe883Leu)

Gene: IGHMBP2 (immunoglobulin mu DNA binding protein 2; plus strand). Cytogenetic location: 11q13.3.
Variant type: single nucleotide variant.
Coding change: c.2649T>G on transcript NM_002180.3 (MANE Select); coding-DNA position 2649, T replaced by G.
Protein change: p.Phe883Leu; replaces phenylalanine 883 with leucine.
Molecular consequence: missense variant.
Genome position (GRCh38, 1-based): chr11:68,938,219, T>G. VCF-style: chr11-68938219-T-G. GRCh37 (hg19) VCF-style: chr11-68705687-T-G.
Other names: short protein forms F883L.
Identifiers: ClinVar variation 640085 (VCV000640085.9), dbSNP rs772539742, ClinGen allele CA6153976.

ClinVar aggregate classification (germline): Uncertain significance. Review status: criteria provided, multiple submitters, no conflicts (2 of 4 stars). 2 submissions from 2 submitters: Uncertain significance (2). Last evaluated 2022-07-19.

Conditions:
Charcot-Marie-Tooth disease axonal type 2S. Also called: CHARCOT-MARIE-TOOTH DISEASE, AXONAL, AUTOSOMAL RECESSIVE, TYPE 2S; CHARCOT-MARIE-TOOTH NEUROPATHY, TYPE 2S. Identifiers: Orphanet 443073, MedGen C4015349, MONDO:0014511, OMIM 616155.
Autosomal recessive distal spinal muscular atrophy 1. Also called: SEVERE INFANTILE AXONAL NEUROPATHY WITH RESPIRATORY FAILURE; SPINAL MUSCULAR ATROPHY, DIAPHRAGMATIC; NEURONOPATHY, DISTAL HEREDITARY MOTOR, HARDING TYPE VI; NEUROPATHY, DISTAL HEREDITARY MOTOR, AUTOSOMAL RECESSIVE 1; HMN VI; NEURONOPATHY, SEVERE INFANTILE AXONAL, WITH RESPIRATORY FAILURE. Identifiers: Orphanet 98920, MedGen C1858517, MONDO:0011436, OMIM 604320.

Allele frequency attached by ClinVar (database versions not stated): gnomAD exomes below 0.00001 and 0.00001; ExAC 0.00001; gnomAD 0.00001; TOPMed 0.00002.
gnomAD v4.1: 24 of 1,613,950 alleles (0.0015%); highest among the groups gnomAD compares: Non-Finnish European, 0.0019%; no homozygotes.

Submissions (2):

Labcorp Genetics (formerly Invitae), Labcorp
Classification: Uncertain significance for Autosomal recessive distal spinal muscular atrophy 1; Charcot-Marie-Tooth disease axonal type 2S. Last evaluated: 2022-07-19. Review status: criteria provided, single submitter. Criteria: Invitae Variant Classification Sherloc (09022015). Collection method: clinical testing. Allele origin: germline.
Comment: This sequence change replaces phenylalanine, which is neutral and non-polar, with leucine, which is neutral and non-polar, at codon 883 of the IGHMBP2 protein (p.Phe883Leu). This variant is present in population databases (rs772539742, gnomAD 0.0009%). This variant has not been reported in the literature in individuals affected with IGHMBP2-related conditions. ClinVar contains an entry for this variant (Variation ID: 640085). Advanced modeling of protein sequence and biophysical properties (such as structural, functional, and spatial information, amino acid conservation, physicochemical variation, residue mobility, and thermodynamic stability) performed at Invitae indicates that this missense variant is not expected to disrupt IGHMBP2 protein function. In summary, the available evidence is currently insufficient to determine the role of this variant in disease. Therefore, it has been classified as a Variant of Uncertain Significance.

GeneDx
Classification: Uncertain significance. Last evaluated: 2019-11-22. Review status: criteria provided, single submitter. Criteria: GeneDx Variant Classification Process June 2021. Collection method: clinical testing. Allele origin: germline. Affected: yes.
Comment: Not observed at a significant frequency in large population cohorts (Lek et al., 2016); In silico analysis, which includes protein predictors and evolutionary conservation, supports that this variant does not alter protein structure/function; Has not been previously published as pathogenic or benign to our knowledge